The following is an entry in ClinVar:

NM_006941.4(SOX10):c.96_160del (p.Pro33fs)

Genes: POLR2F (RNA polymerase II, I and III subunit F; plus strand), SOX10 (SRY-box transcription factor 10; minus strand). Cytogenetic location: 22q13.1.
Variant type: Deletion.
Coding change: c.96_160del on transcript NM_006941.4 (MANE Select); coding-DNA positions 96 to 160, 65 bases deleted.
Protein change: p.Pro33fs; shifts the reading frame from proline 33.
Molecular consequence: frameshift variant. On other transcripts: intron variant (3).
Genome position (GRCh38, 1-based): chr22:37,983,625-37,983,689, 65 bases deleted. GRCh37 (hg19): chr22:38,379,635-38,379,699.
Other names: c.*38+11318_*38+11382del (NM_001363825.1); c.294-2526_294-2462del (NM_001301130.2); c.293+16458_293+16522del (NM_001301131.2); c.93_157del65, p.Pro33Glnfs (NM_006941.3); short protein forms P33fs.
Identifiers: ClinVar variation 3601798 (VCV003601798.1).

ClinVar aggregate classification (germline): Likely pathogenic (1 of 4 stars; one submission).

Conditions:
Waardenburg syndrome type 4C (WS4C). Also called: WAARDENBURG SYNDROME WITH HIRSCHSPRUNG DISEASE, TYPE 4C. Identifiers: Orphanet 897, MedGen C2750452, MONDO:0013202, OMIM 613266.

Submission:

Institute of Rare Diseases, West China Hospital, Sichuan University
Classification: Likely pathogenic for Waardenburg syndrome type 4C. Last evaluated: 2025-01-09. Review status: criteria provided, single submitter. Criteria: ClinGen HL ACMG Specifications v1. Collection method: research. Allele origin: germline. Affected: yes.
Comment: PVS1;PM2_Supporting